The following is an entry in ClinVar:

NM_001527.4(HDAC2):c.359-9A>G

Gene: HDAC2 (histone deacetylase 2; minus strand). Cytogenetic location: 6q21.
Variant type: single nucleotide variant.
Coding change: c.359-9A>G on transcript NM_001527.4 (MANE Select); 9 bases into the intron before coding-DNA position 359, A replaced by G.
Molecular consequence: intron variant.
Genome position (GRCh38, 1-based): chr6:113,956,160, T>C on the plus strand (A>G on the coding strand, the complement: HDAC2 is on the minus strand). VCF-style: chr6-113956160-T-C. GRCh37 (hg19) VCF-style: chr6-114277324-T-C.
Identifiers: ClinVar variation 3041082 (VCV003041082.2), dbSNP rs367736850, ClinGen allele CA3966951.

ClinVar aggregate classification (germline): Likely benign (0 of 4 stars; one submission).

Conditions:
HDAC2-related disorder. Also called: HDAC2-related condition.

Allele frequency attached by ClinVar (database versions not stated): TOPMed 0.00001; ExAC 0.00003; gnomAD 0.00003; ESP Exome Variant Server 0.00008.
gnomAD v4.1: 31 of 1,594,764 alleles (0.0019%); highest among the groups gnomAD compares: Middle Eastern, 0.1%; no homozygotes.

Submission:

PreventionGenetics, part of Exact Sciences
Classification: Likely benign for HDAC2-related condition. Last evaluated: 2019-09-18. Review status: no assertion criteria provided. Collection method: clinical testing. Allele origin: germline.
Comment: This variant is classified as likely benign based on ACMG/AMP sequence variant interpretation guidelines (Richards et al. 2015 PMID: 25741868, with internal and published modifications).